The following is an entry in ClinVar:

ClinVar aggregate classification (germline): Uncertain significance (1 of 4 stars; one submission).

Conditions:
Hyperaldosteronism, familial, type IV (HALD4). Also called: FH IV; ALDOSTERONISM, PRIMARY, AND HYPERTENSION. Identifiers: Orphanet 642671, MedGen C4310756, MONDO:0014875, OMIM 617027.
Idiopathic generalized epilepsy. Also called: EIG; Generalised epilepsy. Identifiers: MedGen C0270850, MONDO:0005579, OMIM 600669.

Submission:

Labcorp Genetics (formerly Invitae), Labcorp
Classification: Uncertain significance for Idiopathic generalized epilepsy; Hyperaldosteronism, familial, type IV. Last evaluated: 2023-06-26. Review status: criteria provided, single submitter. Criteria: Invitae Variant Classification Sherloc (09022015). Collection method: clinical testing. Allele origin: germline.
Comment: This sequence change creates a premature translational stop signal (p.Ala2093Argfs*83) in the CACNA1H gene. While this is not anticipated to result in nonsense mediated decay, it is expected to disrupt the last 261 amino acid(s) of the CACNA1H protein. This variant is not present in population databases (gnomAD no frequency). This variant has not been reported in the literature in individuals affected with CACNA1H-related conditions. Experimental studies and prediction algorithms are not available or were not evaluated, and the functional significance of this variant is currently unknown. In summary, the available evidence is currently insufficient to determine the role of this variant in disease. Therefore, it has been classified as a Variant of Uncertain Significance.

NM_021098.3(CACNA1H):c.6273_6276dup (p.Ala2093fs)

Gene: CACNA1H (calcium voltage-gated channel subunit alpha1 H; plus strand). Cytogenetic location: 16p13.3.
Variant type: Duplication.
Coding change: c.6273_6276dup on transcript NM_021098.3 (MANE Select); coding-DNA positions 6273 to 6276, 4 bases duplicated (CGAG; older notation c.6273_6276dupCGAG).
Protein change: p.Ala2093fs; shifts the reading frame from alanine 2093.
Molecular consequence: frameshift variant.
Genome position (GRCh38, 1-based): chr16:1,220,205-1,220,208, CGAG duplicated. VCF-style (leftmost placement, unchanged base first): chr16-1220204-C-CCGAG. GRCh37 (hg19) VCF-style: chr16-1270204-C-CCGAG.
Other names: c.6255_6258dup, p.Ala2087fs (NM_001005407.2); short protein forms A2093fs, A2087fs.
Identifiers: ClinVar variation 2947655 (VCV002947655.3), dbSNP rs2548735212, ClinGen allele CA2740096815.
Genomic context (GRCh38, chr16:1,220,204, plus strand): 5'-AGCATACCTTCGGACAGCGCTGCGTCTCCAGCCGGCCGGCGGCCCCAGGCGGAGAGGAGG[C>CCGAG]CGAGGCCTCGGACCCAGCCGACGAGGAGGTCAGCCACATCACCAGCTCCGCCTGCCCCTG-3'